The following is an entry in ClinVar:

NM_015346.4(ZFYVE26):c.6242_6243del (p.Ala2081fs)

Gene: ZFYVE26 (zinc finger FYVE-type containing 26; minus strand). Cytogenetic location: 14q24.1.
Variant type: Deletion.
Coding change: c.6242_6243del on transcript NM_015346.4 (MANE Select); coding-DNA positions 6242 to 6243, 2 bases deleted (CT; older notation c.6242_6243delCT).
Protein change: p.Ala2081fs; shifts the reading frame from alanine 2081.
Molecular consequence: frameshift variant.
Genome position (GRCh38, 1-based): chr14:67,762,329-67,762,330, AG deleted on the plus strand (CT on the coding strand, the reverse complement: ZFYVE26 is on the minus strand). VCF-style (leftmost placement, unchanged base first): chr14-67762328-CAG-C. GRCh37 (hg19) VCF-style: chr14-68229045-CAG-C.
Other names: short protein forms A2081fs.
Identifiers: ClinVar variation 1726129 (VCV001726129.2), dbSNP rs2503967525, ClinGen allele CA2580088613.
Genomic context (GRCh38, chr14:67,762,328, plus strand): 5'-CATGATTCAGCTGATTGAGGTCAAATGGGGGCTTCAGACAGCGACTGAACTTCTCCCGTG[CAG>C]CAGTGAGGTTCCCGGCTTTGAGGCAGGCCATGCCCCAAGCATGCCACGCCCCGGTGGTAT-3'

ClinVar aggregate classification (germline): Likely pathogenic (1 of 4 stars; one submission).

Conditions:
Hereditary spastic paraplegia 15 (SPG15). Also called: SPASTIC PARAPLEGIA 15, AUTOSOMAL RECESSIVE; KJELLIN SYNDROME; SPASTIC PARAPLEGIA AND RETINAL DEGENERATION. Identifiers: Orphanet 100996, MedGen C1849128, MONDO:0010044, OMIM 270700.

Submission:

Myriad Genetics, Inc.
Classification: Likely pathogenic for Hereditary spastic paraplegia 15. Last evaluated: 2022-05-18. Review status: criteria provided, single submitter. Criteria: Myriad Women's Health Autosomal Recessive and X-Linked Classification Criteria (2021). Collection method: clinical testing. Allele origin: unknown.
Comment: NM_015346.3(ZFYVE26):c.6242_6243delCT(A2081Gfs*14) is expected to be pathogenic in the context of spastic paraplegia type 15. This variant is predicted to lead to an abnormal or absent protein product due to the creation of a premature termination codon in ZFYVE26, a gene where loss-of-function variants are known to be pathogenic. Please note: this variant was assessed in the context of healthy population screening.